The following is an entry in ClinVar:

ClinVar aggregate classification (germline): Likely benign (0 of 4 stars; one submission).

Allele frequency attached by ClinVar (database versions not stated): gnomAD 0.00002; 1000 Genomes Project 0.00439.
gnomAD v4.1: 12 of 1,086,102 alleles (0.0011%); highest among the groups gnomAD compares: East Asian, 0.027%; no homozygotes.

Submission:

Genetic Services Laboratory, University of Chicago
Classification: Likely benign for AllHighlyPenetrant. Review status: no assertion criteria provided. Collection method: clinical testing. Allele origin: germline. Inheritance: Autosomal dominant inheritance.
Comment: Likely benign based on allele frequency in 1000 Genomes Project or ESP global frequency and its presence in a patient with a rare or unrelated disease phenotype. NOT Sanger confirmed.

NM_001128164.2(ATXN1):c.675G>C (p.Gln225His)

Genes: ATXN1 (ataxin 1; minus strand), LOC108663993 (ataxin 1 repeat instability region; plus strand). Cytogenetic location: 6p22.3.
Variant type: single nucleotide variant.
Coding change: c.675G>C on transcript NM_001128164.2 (MANE Select); coding-DNA position 675, G replaced by C.
Protein change: p.Gln225His; replaces glutamine 225 with histidine.
Molecular consequence: missense variant. On other transcripts: 3 prime UTR variant (1).
Genome position (GRCh38, 1-based): chr6:16,327,636, C>G on the plus strand (G>C on the coding strand, the complement: ATXN1 is on the minus strand). VCF-style: chr6-16327636-C-G. GRCh37 (hg19) VCF-style: chr6-16327867-C-G.
Other names: c.675G>C, p.Gln225His (NM_000332.4); c.*88G>C (NM_001357857.2); short protein forms Q225H.
Identifiers: ClinVar variation 128504 (VCV000128504.7), dbSNP rs192671844, ClinGen allele CA151992.